The following is an entry in ClinVar:

NC_000007.13:g.(?_97481571)_(97498468_?)dup

Gene: ASNS (asparagine synthetase (glutamine-hydrolyzing); minus strand). Cytogenetic location: 7q21.3.
Variant type: Duplication.
Identifiers: ClinVar variation 1412691 (VCV001412691.4).

ClinVar aggregate classification (germline): Uncertain significance (1 of 4 stars; one submission).

Submission:

Labcorp Genetics (formerly Invitae), Labcorp
Classification: Uncertain significance. Last evaluated: 2022-09-16. Review status: criteria provided, single submitter. Criteria: Invitae Variant Classification Sherloc (09022015). Collection method: clinical testing. Allele origin: germline.
Comment: A copy number gain of the genomic region encompassing the full coding sequence of the ASNS gene has been identified. The boundaries of this event are unknown as they extend beyond the assayed region for this gene and therefore may encompass additional genes. As the precise location of this event is unknown, it may be in tandem or it may be located elsewhere in the genome. This variant has not been reported in the literature in individuals affected with ASNS-related conditions. Experimental studies and prediction algorithms are not available or were not evaluated, and the functional significance of this variant is currently unknown. In summary, the available evidence is currently insufficient to determine the role of this variant in disease. Therefore, it has been classified as a Variant of Uncertain Significance.